The following is an entry in ClinVar:

ClinVar aggregate classification (germline): Uncertain significance (1 of 4 stars; one submission).

Conditions:
Epileptic encephalopathy. Identifiers: MedGen C0543888, HP:0200134.

Submission:

Labcorp Genetics (formerly Invitae), Labcorp
Classification: Uncertain significance for Epileptic encephalopathy. Last evaluated: 2024-07-30. Review status: criteria provided, single submitter. Criteria: Invitae Variant Classification Sherloc (09022015). Collection method: clinical testing. Allele origin: germline.
Comment: This sequence change falls in intron 9 of the GABBR2 gene. It does not directly change the encoded amino acid sequence of the GABBR2 protein. It affects a nucleotide within the consensus splice site. This variant is not present in population databases (gnomAD no frequency). This variant has not been reported in the literature in individuals affected with GABBR2-related conditions. Variants that disrupt the consensus splice site are a relatively common cause of aberrant splicing (PMID: 17576681, 9536098). Algorithms developed to predict the effect of sequence changes on RNA splicing suggest that this variant is not likely to affect RNA splicing. In summary, the available evidence is currently insufficient to determine the role of this variant in disease. Therefore, it has been classified as a Variant of Uncertain Significance.

Literature cited by the submitters: PubMed 17576681; PubMed 9536098.

NM_005458.8(GABBR2):c.1378+6G>T

Gene: GABBR2 (gamma-aminobutyric acid type B receptor subunit 2; minus strand). Cytogenetic location: 9q22.33.
Variant type: single nucleotide variant.
Coding change: c.1378+6G>T on transcript NM_005458.8 (MANE Select); 6 bases into the intron after coding-DNA position 1378, G replaced by T.
Molecular consequence: intron variant.
Genome position (GRCh38, 1-based): chr9:98,394,169, C>A on the plus strand (G>T on the coding strand, the complement: GABBR2 is on the minus strand). VCF-style: chr9-98394169-C-A. GRCh37 (hg19) VCF-style: chr9-101156451-C-A.
Identifiers: ClinVar variation 3660172 (VCV003660172.2).